The following is an entry in ClinVar:

NM_005422.4(TECTA):c.6401C>T (p.Thr2134Met)

Genes: TBCEL-TECTA (TBCEL-TECTA readthrough; plus strand), TECTA (tectorin alpha; plus strand). Cytogenetic location: 11q23.3.
Variant type: single nucleotide variant.
Coding change: c.6401C>T on transcript NM_005422.4 (MANE Select); coding-DNA position 6401, C replaced by T.
Protein change: p.Thr2134Met; replaces threonine 2134 with methionine.
Molecular consequence: missense variant.
Genome position (GRCh38, 1-based): chr11:121,190,739, C>T. VCF-style: chr11-121190739-C-T. GRCh37 (hg19) VCF-style: chr11-121061448-C-T.
Other names: c.7343C>T, p.Thr2448Met (NM_001378761.1); short protein forms T2134M, T2448M.
Identifiers: ClinVar variation 504680 (VCV000504680.52), dbSNP rs372282487, ClinGen allele CA6327984.

ClinVar aggregate classification (germline): Conflicting classifications of pathogenicity. Review status: criteria provided, conflicting classifications (1 of 4 stars). 5 submissions from 5 submitters: Uncertain significance (1); Likely benign (4). Last evaluated 2024-07-31.

Allele frequency attached by ClinVar (database versions not stated): gnomAD 0.00006; ESP Exome Variant Server 0.00008; TOPMed 0.00008.
gnomAD v4.1: 49 of 1,613,706 alleles (0.003%); highest among the groups gnomAD compares: African/African-American, 0.008%; no homozygotes.

Submissions (5):

Labcorp Genetics (formerly Invitae), Labcorp
Classification: Likely benign. Last evaluated: 2024-07-31. Review status: criteria provided, single submitter. Criteria: Invitae Variant Classification Sherloc (09022015). Collection method: clinical testing. Allele origin: germline.

Blueprint Genetics
Classification: Likely benign. Last evaluated: 2024-03-13. Review status: criteria provided, single submitter. Criteria: ACMG Guidelines, 2015. Collection method: clinical testing. Allele origin: germline.

GeneDx
Classification: Uncertain significance. Last evaluated: 2023-01-08. Review status: criteria provided, single submitter. Criteria: GeneDx Variant Classification Process June 2021. Collection method: clinical testing. Allele origin: germline. Affected: yes.
Comment: In silico analysis supports that this missense variant does not alter protein structure/function; Has not been previously published as pathogenic or benign to our knowledge

CeGaT Center for Human Genetics Tuebingen
Classification: Likely benign. Last evaluated: 2019-06-01. Review status: criteria provided, single submitter. Criteria: CeGaT Center For Human Genetics Tuebingen Variant Classification Criteria Version 2. Collection method: clinical testing. Allele origin: germline. Affected: yes. Observed: 3 variant alleles.

Laboratory for Molecular Medicine, Mass General Brigham Personalized Medicine
Classification: Likely benign. Last evaluated: 2016-06-09. Review status: criteria provided, single submitter. Criteria: LMM Criteria. Collection method: clinical testing. Allele origin: germline. Observed: 1 variant allele.
Comment: p.Thr2134Met in exon 23 of TECTA: This variant is not expected to have clinical significance because the threonine (Thr) at position 2134 is not conserved in ma mmals or evolutionary distant species, with 10 mammals having a methionine (Met) at this position. It has been identified in 3/66304 European chromosomes by t he Exome Aggregation Consortium (ExAC).